The following is an entry in ClinVar:

NM_016169.4(SUFU):c.11T>C (p.Leu4Pro)

Genes: SUFU (SUFU negative regulator of hedgehog signaling; plus strand), LOC130004614 (ATAC-STARR-seq lymphoblastoid silent region 2764; plus strand). Cytogenetic location: 10q24.32.
Variant type: single nucleotide variant.
Coding change: c.11T>C on transcript NM_016169.4 (MANE Select); coding-DNA position 11, T replaced by C.
Protein change: p.Leu4Pro; replaces leucine 4 with proline.
Molecular consequence: missense variant.
Genome position (GRCh38, 1-based): chr10:102,504,163, T>C. VCF-style: chr10-102504163-T-C. GRCh37 (hg19) VCF-style: chr10-104263920-T-C.
Other names: c.11T>C, p.Leu4Pro (NM_001178133.2); short protein forms L4P.
Identifiers: ClinVar variation 5030386 (VCV005030386.1).

ClinVar aggregate classification (germline): Uncertain significance (1 of 4 stars; one submission).

Conditions:
Hereditary cancer-predisposing syndrome. Also called: Neoplastic Syndromes, Hereditary; Tumor predisposition; Hereditary neoplastic syndrome; Hereditary Cancer Syndrome. Identifiers: Orphanet 140162, MedGen C0027672, MeSH D009386, MONDO:0015356.

Submission:

Ambry Genetics
Classification: Uncertain significance for Hereditary cancer-predisposing syndrome. Last evaluated: 2026-07-07. Review status: criteria provided, single submitter. Criteria: Ambry Variant Classification Scheme 2023. Collection method: clinical testing. Allele origin: germline.
Comment: The p.L4P variant (also known as c.11T>C), located in coding exon 1 of the SUFU gene, results from a T to C substitution at nucleotide position 11. The leucine at codon 4 is replaced by proline, an amino acid with similar properties. This amino acid position is conserved. In addition, the in silico prediction for this alteration is inconclusive. Based on the available evidence, the clinical significance of this variant remains unclear.